The following is an entry in ClinVar:

ClinVar aggregate classification (germline): Uncertain significance. Review status: criteria provided, multiple submitters, no conflicts (2 of 4 stars). 2 submissions from 2 submitters: Uncertain significance (2). Last evaluated 2022-03-19.

Conditions:
Charcot-Marie-Tooth disease type 2. Also called: Charcot-Marie-Tooth type 2. Identifiers: Orphanet 64746, MedGen C0270914, MONDO:0018993.

Allele frequency attached by ClinVar (database versions not stated): ExAC below 0.00001; gnomAD 0.00002.
gnomAD v4.1: 4 of 1,539,534 alleles (0.00026%); highest among the groups gnomAD compares: Non-Finnish European, 0.00026%; no homozygotes.

Submissions (2):

Labcorp Genetics (formerly Invitae), Labcorp
Classification: Uncertain significance for Charcot-Marie-Tooth disease type 2. Last evaluated: 2022-03-19. Review status: criteria provided, single submitter. Criteria: Invitae Variant Classification Sherloc (09022015). Collection method: clinical testing. Allele origin: germline.
Comment: The frequency data for this variant in the population databases is considered unreliable, as metrics indicate poor data quality at this position in the gnomAD database. In summary, the available evidence is currently insufficient to determine the role of this variant in disease. Therefore, it has been classified as a Variant of Uncertain Significance. Algorithms developed to predict the effect of missense changes on protein structure and function are either unavailable or do not agree on the potential impact of this missense change (SIFT: "Deleterious"; PolyPhen-2: "Possibly Damaging"; Align-GVGD: "Class C0"). ClinVar contains an entry for this variant (Variation ID: 410313). This variant has not been reported in the literature in individuals affected with GARS-related conditions. This sequence change replaces proline, which is neutral and non-polar, with serine, which is neutral and polar, at codon 66 of the GARS protein (p.Pro66Ser).

Ambry Genetics
Classification: Uncertain significance. Last evaluated: 2020-12-02. Review status: criteria provided, single submitter. Criteria: Ambry Variant Classification Scheme 2023. Collection method: clinical testing. Allele origin: germline.
Comment: The p.P66S variant (also known as c.196C>T), located in coding exon 1 of the GARS gene, results from a C to T substitution at nucleotide position 196. The proline at codon 66 is replaced by serine, an amino acid with similar properties. This amino acid position is highly conserved in available vertebrate species. In addition, the in silico prediction for this alteration is inconclusive. Since supporting evidence is limited at this time, the clinical significance of this alteration remains unclear.

NM_002047.4(GARS1):c.196C>T (p.Pro66Ser)

Gene: GARS1 (glycyl-tRNA synthetase 1; plus strand). Cytogenetic location: 7p14.3.
Variant type: single nucleotide variant.
Coding change: c.196C>T on transcript NM_002047.4 (MANE Select); coding-DNA position 196, C replaced by T.
Protein change: p.Pro66Ser; replaces proline 66 with serine.
Molecular consequence: missense variant.
Genome position (GRCh38, 1-based): chr7:30,595,117, C>T. VCF-style: chr7-30595117-C-T. GRCh37 (hg19) VCF-style: chr7-30634733-C-T.
Other names: c.196C>T (LRG_243t1); c.34C>T, p.Pro12Ser (NM_001316772.1); short protein forms P66S, P12S.
Identifiers: ClinVar variation 410313 (VCV000410313.12), dbSNP rs776478280, ClinGen allele CA4205606.